The following is an entry in ClinVar:

NM_001037333.3(CYFIP2):c.1580C>T (p.Pro527Leu)

Gene: CYFIP2 (cytoplasmic FMR1 interacting protein 2; plus strand). Cytogenetic location: 5q33.3.
Variant type: single nucleotide variant.
Coding change: c.1580C>T on transcript NM_001037333.3 (MANE Select); coding-DNA position 1580, C replaced by T.
Protein change: p.Pro527Leu; replaces proline 527 with leucine.
Molecular consequence: missense variant.
Genome position (GRCh38, 1-based): chr5:157,320,711, C>T. VCF-style: chr5-157320711-C-T. GRCh37 (hg19) VCF-style: chr5-156747719-C-T.
Other names: c.1502C>T, p.Pro501Leu (NM_001291721.2); c.1580C>T, p.Pro527Leu (NM_001291722.2, NM_014376.4); short protein forms P527L, P501L.
Identifiers: ClinVar variation 1420055 (VCV001420055.8), dbSNP rs2113107327, ClinGen allele CA361969287.

ClinVar aggregate classification (germline): Uncertain significance (1 of 4 stars; one submission).

Allele frequency attached by ClinVar (database versions not stated): gnomAD exomes below 0.00001.
gnomAD v4.1: 2 of 1,613,788 alleles (0.00012%); highest among the groups gnomAD compares: African/African-American, 0.0027%; no homozygotes.

Submission:

Labcorp Genetics (formerly Invitae), Labcorp
Classification: Uncertain significance. Last evaluated: 2023-10-06. Review status: criteria provided, single submitter. Criteria: Invitae Variant Classification Sherloc (09022015). Collection method: clinical testing. Allele origin: germline.
Comment: This sequence change replaces proline, which is neutral and non-polar, with leucine, which is neutral and non-polar, at codon 527 of the CYFIP2 protein (p.Pro527Leu). This variant is not present in population databases (gnomAD no frequency). This missense change has been observed in individual(s) with clinical features of CYFIP2-related conditions (Invitae). ClinVar contains an entry for this variant (Variation ID: 1420055). Experimental studies and prediction algorithms are not available or were not evaluated, and the functional significance of this variant is currently unknown. In summary, the available evidence is currently insufficient to determine the role of this variant in disease. Therefore, it has been classified as a Variant of Uncertain Significance.